The following is an entry in ClinVar:

NM_012186.3(FOXE3):c.106G>C (p.Glu36Gln)

Genes: FOXE3 (forkhead box E3; plus strand), LINC01389 (long intergenic non-protein coding RNA 1389; minus strand). Cytogenetic location: 1p33.
Variant type: single nucleotide variant.
Coding change: c.106G>C on transcript NM_012186.3 (MANE Select); coding-DNA position 106, G replaced by C.
Protein change: p.Glu36Gln; replaces glutamic acid 36 with glutamine.
Molecular consequence: missense variant.
Genome position (GRCh38, 1-based): chr1:47,416,421, G>C. VCF-style: chr1-47416421-G-C. GRCh37 (hg19) VCF-style: chr1-47882093-G-C.
Other names: short protein forms E36Q.
Identifiers: ClinVar variation 4026305 (VCV004026305.1).

ClinVar aggregate classification (germline): Uncertain significance (1 of 4 stars; one submission).

Conditions:
Cardiovascular phenotype. Identifiers: MedGen CN230736.

gnomAD v4.1: 1 of 1,221,774 alleles (0.000082%); highest among the groups gnomAD compares: Non-Finnish European, 0.0001%; no homozygotes.

Submission:

Ambry Genetics
Classification: Uncertain significance for Cardiovascular phenotype. Last evaluated: 2025-04-12. Review status: criteria provided, single submitter. Criteria: Ambry Variant Classification Scheme 2023. Collection method: clinical testing. Allele origin: germline.
Comment: The p.E36Q variant (also known as c.106G>C), located in coding exon 1 of the FOXE3 gene, results from a G to C substitution at nucleotide position 106. The glutamic acid at codon 36 is replaced by glutamine, an amino acid with highly similar properties. This amino acid position is conserved. In addition, this alteration is predicted to be tolerated by in silico analysis. Based on the available evidence, the clinical significance of this variant remains unclear.